The following is an entry in ClinVar:

NM_033026.6(PCLO):c.1124A>C (p.Gln375Pro)

Gene: PCLO (piccolo presynaptic cytomatrix protein; minus strand). Cytogenetic location: 7q21.11.
Variant type: single nucleotide variant.
Coding change: c.1124A>C on transcript NM_033026.6 (MANE Select); coding-DNA position 1124, A replaced by C.
Protein change: p.Gln375Pro; replaces glutamine 375 with proline.
Molecular consequence: missense variant.
Genome position (GRCh38, 1-based): chr7:83,155,517, T>G on the plus strand (A>C on the coding strand, the complement: PCLO is on the minus strand). VCF-style: chr7-83155517-T-G. GRCh37 (hg19) VCF-style: chr7-82784833-T-G.
Other names: c.1124A>C, p.Gln375Pro (NM_014510.3); c.1124A>C (NM_033026.5); short protein forms Q375P.
Identifiers: ClinVar variation 1924669 (VCV001924669.3), dbSNP rs928532393, ClinGen allele CA161191210.

ClinVar aggregate classification (germline): Uncertain significance. Review status: criteria provided, multiple submitters, no conflicts (2 of 4 stars). 2 submissions from 2 submitters: Uncertain significance (2). Last evaluated 2025-03-22.

Conditions:
Inborn genetic diseases. Identifiers: MedGen C0950123, MeSH D030342.

Allele frequency attached by ClinVar (database versions not stated): gnomAD 0.00001.
gnomAD v4.1: 30 of 1,609,444 alleles (0.0019%); highest among the groups gnomAD compares: Middle Eastern, 0.033%; no homozygotes.

Submissions (2):

Ambry Genetics
Classification: Uncertain significance for Inborn genetic diseases. Last evaluated: 2025-03-22. Review status: criteria provided, single submitter. Criteria: Ambry Variant Classification Scheme 2023. Collection method: clinical testing. Allele origin: germline.

Labcorp Genetics (formerly Invitae), Labcorp
Classification: Uncertain significance. Last evaluated: 2022-10-17. Review status: criteria provided, single submitter. Criteria: Invitae Variant Classification Sherloc (09022015). Collection method: clinical testing. Allele origin: germline.
Comment: This sequence change replaces glutamine, which is neutral and polar, with proline, which is neutral and non-polar, at codon 375 of the PCLO protein (p.Gln375Pro). This variant is not present in population databases (gnomAD no frequency). This variant has not been reported in the literature in individuals affected with PCLO-related conditions. Algorithms developed to predict the effect of missense changes on protein structure and function output the following: SIFT: "Deleterious"; PolyPhen-2: "Not Available"; Align-GVGD: "Class C0". The proline amino acid residue is found in multiple mammalian species, which suggests that this missense change does not adversely affect protein function. In summary, the available evidence is currently insufficient to determine the role of this variant in disease. Therefore, it has been classified as a Variant of Uncertain Significance.